The following is an entry in ClinVar:

NM_001401501.2(MUC16):c.38790C>T (p.Tyr12930=)

Gene: MUC16 (mucin 16, cell surface associated; minus strand). Cytogenetic location: 19p13.2.
Variant type: single nucleotide variant.
Coding change: c.38790C>T on transcript NM_001401501.2 (MANE Select); coding-DNA position 38790, C replaced by T.
Protein change: p.Tyr12930=; no amino-acid change (tyrosine 12930 retained).
Molecular consequence: synonymous variant.
Genome position (GRCh38, 1-based): chr19:8,902,164, G>A on the plus strand (C>T on the coding strand, the complement: MUC16 is on the minus strand). VCF-style: chr19-8902164-G-A. GRCh37 (hg19) VCF-style: chr19-9012840-G-A.
Other names: c.39216C>T, p.Tyr13072= (NM_001414686.1); c.38670C>T, p.Tyr12890= (NM_001414687.1); c.38604C>T, p.Tyr12868= (NM_024690.2).
Identifiers: ClinVar variation 3060695 (VCV003060695.2), dbSNP rs4992692, ClinGen allele CA9164480.

ClinVar aggregate classification (germline): Likely benign (0 of 4 stars; one submission).

Conditions:
MUC16-related disorder. Also called: MUC16-related condition.

Allele frequency attached by ClinVar (database versions not stated): gnomAD exomes 0.07410; ExAC 0.28188.

Submission:

PreventionGenetics, part of Exact Sciences
Classification: Likely benign for MUC16-related condition. Last evaluated: 2019-10-16. Review status: no assertion criteria provided. Collection method: clinical testing. Allele origin: germline.
Comment: This variant is classified as likely benign based on ACMG/AMP sequence variant interpretation guidelines (Richards et al. 2015 PMID: 25741868, with internal and published modifications).